The following is an entry in ClinVar:

ClinVar aggregate classification (germline): Uncertain significance (1 of 4 stars; one submission).

Conditions:
X-linked intellectual disability Cabezas type (MRXSC). Also called: MENTAL RETARDATION, X-LINKED, SYNDROMIC 15; CABEZAS SYNDROME; Intellectual developmental disorder, X-linked syndromic, Cabezas type. Identifiers: Orphanet 85289, Orphanet 85293, MedGen C1845861, MONDO:0010306, OMIM 300354.

Allele frequency attached by ClinVar (database versions not stated): gnomAD exomes below 0.00001.
gnomAD v4.1: 1 of 1,205,365 alleles (0.000083%); highest among the groups gnomAD compares: Admixed American, 0.0022%; no homozygotes.

Submission:

Illumina Laboratory Services, Illumina
Classification: Uncertain significance for X-linked intellectual disability Cabezas type. Last evaluated: 2023-07-12. Review status: criteria provided, single submitter. Criteria: ICSLVariantClassificationCriteria RUGD 01 April 2020. Collection method: clinical testing. Allele origin: unknown.
Comment: The CUL4B c.2410G>A, p.(Asp804Asn) missense variant has not, to our knowledge, been reported in the peer-reviewed literature. This variant is not observed in version 2.1.1 or version 3.1.2 of the Genome Aggregation Database. Based on the available evidence, the c.2410G>A, p.(Asp804Asn) variant is classified as a variant of uncertain significance for X-linked intellectual disability, Cabezas type.

NM_001079872.2(CUL4B):c.2356G>A (p.Asp786Asn)

Gene: CUL4B (cullin 4B; minus strand). Cytogenetic location: Xq24.
Variant type: single nucleotide variant.
Coding change: c.2356G>A on transcript NM_001079872.2 (MANE Select); coding-DNA position 2356, G replaced by A.
Protein change: p.Asp786Asn; replaces aspartic acid 786 with asparagine.
Molecular consequence: missense variant.
Genome position (GRCh38, 1-based): chrX:120,532,505, C>T on the plus strand (G>A on the coding strand, the complement: CUL4B is on the minus strand). VCF-style: chrX-120532505-C-T. GRCh37 (hg19) VCF-style: chrX-119666360-C-T.
Other names: c.2371G>A, p.Asp791Asn (NM_001330624.2); c.1822G>A, p.Asp608Asn (NM_001369145.1); c.2410G>A, p.Asp804Asn (NM_003588.4); short protein forms D608N, D786N, D791N, D804N.
Identifiers: ClinVar variation 2637967 (VCV002637967.1), dbSNP rs2521057088, ClinGen allele CA414193886.